The following is an entry in ClinVar:

NM_002971.6(SATB1):c.95G>A (p.Arg32His)

Gene: SATB1 (SATB homeobox 1; minus strand). Cytogenetic location: 3p24.3.
Variant type: single nucleotide variant.
Coding change: c.95G>A on transcript NM_002971.6 (MANE Select); coding-DNA position 95, G replaced by A.
Protein change: p.Arg32His; replaces arginine 32 with histidine.
Molecular consequence: missense variant. On other transcripts: intron variant (1).
Genome position (GRCh38, 1-based): chr3:18,420,873, C>T on the plus strand (G>A on the coding strand, the complement: SATB1 is on the minus strand). VCF-style: chr3-18420873-C-T. GRCh37 (hg19) VCF-style: chr3-18462365-C-T.
Other names: c.95G>A, p.Arg32His (NM_001131010.4, NM_001195470.3, NM_001322871.2 and 4 more transcripts); c.-5-3795G>A (NM_001322876.2); short protein forms R32H.
Identifiers: ClinVar variation 2505920 (VCV002505920.3), dbSNP rs1698356763, ClinGen allele CA351864912.

ClinVar aggregate classification (germline): Conflicting classifications of pathogenicity. Review status: criteria provided, conflicting classifications (1 of 4 stars). 3 submissions from 3 submitters: Uncertain significance (2); Likely benign (1). Last evaluated 2026-01-29.

Conditions:
Developmental delay with dysmorphic facies and dental anomalies. Identifiers: MedGen C5543197, MONDO:0030988, OMIM 619228.

Allele frequency attached by ClinVar (database versions not stated): TOPMed below 0.00001.
gnomAD v4.1: 2 of 1,614,160 alleles (0.00012%); highest among the groups gnomAD compares: Non-Finnish European, 0.00017%; no homozygotes.

Submissions (3):

Centre for Medical Genetics,  Mumbai
Classification: Likely benign for Developmental delay with dysmorphic facies and dental anomalies. Last evaluated: 2026-01-29. Review status: criteria provided, single submitter. Criteria: ACMG Guidelines, 2015. Collection method: provider interpretation. Allele origin: germline. Inheritance: Autosomal dominant inheritance. Affected: no. Observed: 1 heterozygote.
Comment: The variant satisfies PM2 criteria; Extremely low frequency in gnomAD population databases. The variant satisfies PP2 criteria; Missense variant in a gene with low rate of benign missense mutations and for which missense mutation is a common mechanism of a disease. However, the variant satisfies BS2 criteria.

Baylor Genetics
Classification: Uncertain significance for Developmental delay with dysmorphic facies and dental anomalies. Last evaluated: 2023-06-27. Review status: criteria provided, single submitter. Criteria: ACMG Guidelines, 2015. Collection method: clinical testing. Allele origin: unknown.

GeneDx
Classification: Uncertain significance. Last evaluated: 2022-12-16. Review status: criteria provided, single submitter. Criteria: GeneDx Variant Classification Process June 2021. Collection method: clinical testing. Allele origin: germline. Affected: yes.
Comment: Not observed at significant frequency in large population cohorts (gnomAD); In silico analysis supports that this missense variant has a deleterious effect on protein structure/function; Has not been previously published as pathogenic or benign to our knowledge

Literature cited by the submitters: PubMed 33513338 (cited by Centre for Medical Genetics,  Mumbai).